The following is an entry in ClinVar:

NM_006914.4(RORB):c.1020T>G (p.Asn340Lys)

Gene: RORB (RAR related orphan receptor B; plus strand). Cytogenetic location: 9q21.13.
Variant type: single nucleotide variant.
Coding change: c.1020T>G on transcript NM_006914.4 (MANE Select); coding-DNA position 1020, T replaced by G.
Protein change: p.Asn340Lys; replaces asparagine 340 with lysine.
Molecular consequence: missense variant.
Genome position (GRCh38, 1-based): chr9:74,667,810, T>G. VCF-style: chr9-74667810-T-G. GRCh37 (hg19) VCF-style: chr9-77282726-T-G.
Other names: c.1053T>G, p.Asn351Lys (NM_001365023.1); short protein forms N340K, N351K.
Identifiers: ClinVar variation 2713348 (VCV002713348.3), dbSNP rs574548178, ClinGen allele CA5083522.

ClinVar aggregate classification (germline): Uncertain significance (1 of 4 stars; one submission).

Allele frequency attached by ClinVar (database versions not stated): gnomAD exomes below 0.00001; ExAC 0.00001; 1000 Genomes Project 30x 0.00016; 1000 Genomes Project 0.00020.
gnomAD v4.1: 6 of 1,612,078 alleles (0.00037%); highest among the groups gnomAD compares: South Asian, 0.0055%; no homozygotes.

Submission:

Labcorp Genetics (formerly Invitae), Labcorp
Classification: Uncertain significance. Last evaluated: 2023-06-14. Review status: criteria provided, single submitter. Criteria: Invitae Variant Classification Sherloc (09022015). Collection method: clinical testing. Allele origin: germline.
Comment: An algorithm developed to predict the effect of missense changes on protein structure and function (PolyPhen-2) suggests that this variant is likely to be tolerated. This variant has not been reported in the literature in individuals affected with RORB-related conditions. This variant is present in population databases (rs574548178, gnomAD 0.01%). This sequence change replaces asparagine, which is neutral and polar, with lysine, which is basic and polar, at codon 340 of the RORB protein (p.Asn340Lys). In summary, the available evidence is currently insufficient to determine the role of this variant in disease. Therefore, it has been classified as a Variant of Uncertain Significance.